The following is an entry in ClinVar:

NM_005591.4(MRE11):c.860T>C (p.Leu287Pro)

Gene: MRE11 (MRE11 double strand break repair nuclease; minus strand). Cytogenetic location: 11q21.
Variant type: single nucleotide variant.
Coding change: c.860T>C on transcript NM_005591.4 (MANE Select); coding-DNA position 860, T replaced by C.
Protein change: p.Leu287Pro; replaces leucine 287 with proline.
Molecular consequence: missense variant.
Genome position (GRCh38, 1-based): chr11:94,470,628, A>G on the plus strand (T>C on the coding strand, the complement: MRE11 is on the minus strand). VCF-style: chr11-94470628-A-G. GRCh37 (hg19) VCF-style: chr11-94203794-A-G.
Other names: c.860T>C, p.Leu287Pro (NM_001330347.2, NM_005590.4); short protein forms L287P.
Identifiers: ClinVar variation 1921138 (VCV001921138.6), dbSNP rs1946682142, ClinGen allele CA382374835.
Genomic context (GRCh38, chr11:94,470,628, plus strand): 5'-AACTGCCGCACTGTGTGAAGAGGAATTTTATGCATATTCATCTTCCTCCCTTTAATACGC[A>G]GCAAACCAACATGTCTGAAGTGGAGAGAAATGAACACCGAGTCACAGTGTAAATTTCCTC-3'
Protein context (NP_005582.1, residues 277-297): GEAVKKHVGL[Leu287Pro]RIKGRKMNMH

ClinVar aggregate classification (germline): Uncertain significance. Review status: criteria provided, multiple submitters, no conflicts (2 of 4 stars). 2 submissions from 2 submitters: Uncertain significance (2). Last evaluated 2024-08-01.

Conditions:
Ataxia-telangiectasia-like disorder (ATLD). Identifiers: MedGen C1858391, MONDO:0011457.
Hereditary cancer-predisposing syndrome. Also called: Hereditary Cancer Syndrome; Hereditary neoplastic syndrome; Neoplastic Syndromes, Hereditary; Tumor predisposition. Identifiers: Orphanet 140162, MedGen C0027672, MeSH D009386, MONDO:0015356.

Submissions (2):

Ambry Genetics
Classification: Uncertain significance for Hereditary cancer-predisposing syndrome. Last evaluated: 2024-08-01. Review status: criteria provided, single submitter. Criteria: Ambry Variant Classification Scheme 2023. Collection method: clinical testing. Allele origin: germline.
Comment: The p.L287P variant (also known as c.860T>C), located in coding exon 8 of the MRE11A gene, results from a T to C substitution at nucleotide position 860. The leucine at codon 287 is replaced by proline, an amino acid with similar properties. This amino acid position is conserved. In addition, this alteration is predicted to be deleterious by in silico analysis. Based on the available evidence, the clinical significance of this variant remains unclear.

Labcorp Genetics (formerly Invitae), Labcorp
Classification: Uncertain significance for Ataxia-telangiectasia-like disorder. Last evaluated: 2022-05-09. Review status: criteria provided, single submitter. Criteria: Invitae Variant Classification Sherloc (09022015). Collection method: clinical testing. Allele origin: germline.
Comment: This sequence change replaces leucine, which is neutral and non-polar, with proline, which is neutral and non-polar, at codon 287 of the MRE11 protein (p.Leu287Pro). This variant is not present in population databases (gnomAD no frequency). This variant has not been reported in the literature in individuals affected with MRE11-related conditions. Algorithms developed to predict the effect of missense changes on protein structure and function (SIFT, PolyPhen-2, Align-GVGD) all suggest that this variant is likely to be disruptive. In summary, the available evidence is currently insufficient to determine the role of this variant in disease. Therefore, it has been classified as a Variant of Uncertain Significance.